The following is an entry in ClinVar:

NC_000001.10:g.(?_161137765)_(161138386_?)del

Gene: PPOX (protoporphyrinogen oxidase; plus strand). Cytogenetic location: 1q23.3.
Variant type: Deletion.
Identifiers: ClinVar variation 1454857 (VCV001454857.6).

ClinVar aggregate classification (germline): Pathogenic (1 of 4 stars; one submission).

Submission:

Labcorp Genetics (formerly Invitae), Labcorp
Classification: Pathogenic. Last evaluated: 2021-02-01. Review status: criteria provided, single submitter. Criteria: Invitae Variant Classification Sherloc (09022015). Collection method: clinical testing. Allele origin: germline.
Comment: For these reasons, this variant has been classified as Pathogenic. This variant has been observed in individual(s) with porphyria variegata (PMID: 23324528). It has also been observed to segregate with disease in related individuals. This variant is a gross deletion of the genomic region encompassing exon(s) 5-6 of the PPOX gene. This deletion is out-of-frame, and is expected to create a premature translational stop signal and result in an absent or disrupted protein product. Loss-of-function variants in PPOX are known to be pathogenic (PMID: 10486317).

Literature cited by the submitters: PubMed 23324528; PubMed 10486317.